The following is an entry in ClinVar:

NM_021999.5(ITM2B):c.661C>T (p.Arg221Ter)

Gene: ITM2B (integral membrane protein 2B; plus strand). Cytogenetic location: 13q14.2.
Variant type: single nucleotide variant.
Coding change: c.661C>T on transcript NM_021999.5 (MANE Select); coding-DNA position 661, C replaced by T.
Protein change: p.Arg221Ter; replaces arginine 221 with a stop codon.
Molecular consequence: nonsense.
Genome position (GRCh38, 1-based): chr13:48,258,893, C>T. VCF-style: chr13-48258893-C-T. GRCh37 (hg19) VCF-style: chr13-48833029-C-T.
Other names: short protein forms R221*.
Identifiers: ClinVar variation 1957222 (VCV001957222.5), dbSNP rs767045938, ClinGen allele CA6978831.

ClinVar aggregate classification (germline): Uncertain significance (1 of 4 stars; one submission).

Allele frequency attached by ClinVar (database versions not stated): ExAC 0.00001; TOPMed 0.00001.
gnomAD v4.1: 11 of 1,612,900 alleles (0.00068%); highest among the groups gnomAD compares: Admixed American, 0.0017%; no homozygotes.

Submission:

Labcorp Genetics (formerly Invitae), Labcorp
Classification: Uncertain significance. Last evaluated: 2023-07-03. Review status: criteria provided, single submitter. Criteria: Invitae Variant Classification Sherloc (09022015). Collection method: clinical testing. Allele origin: germline.
Comment: This sequence change creates a premature translational stop signal (p.Arg221*) in the ITM2B gene. It is expected to result in an absent or disrupted protein product. However, the current clinical and genetic evidence is not sufficient to establish whether loss-of-function variants in ITM2B cause disease. This variant is present in population databases (rs767045938, gnomAD 0.002%). This variant has not been reported in the literature in individuals affected with ITM2B-related conditions. ClinVar contains an entry for this variant (Variation ID: 1957222). Experimental studies and prediction algorithms are not available or were not evaluated, and the functional significance of this variant is currently unknown. In summary, the available evidence is currently insufficient to determine the role of this variant in disease. Therefore, it has been classified as a Variant of Uncertain Significance.